The following is an entry in ClinVar:

ClinVar aggregate classification (germline): Uncertain significance (1 of 4 stars; one submission).

Conditions:
Wilms tumor 1 (WT1). Also called: Wilms tumor, somatic. Identifiers: Orphanet 654, MedGen CN033288, MONDO:0008679, OMIM 194070.

Allele frequency attached by ClinVar (database versions not stated): TOPMed below 0.00001.

Submission:

Labcorp Genetics (formerly Invitae), Labcorp
Classification: Uncertain significance for Wilms tumor 1. Last evaluated: 2022-04-30. Review status: criteria provided, single submitter. Criteria: Invitae Variant Classification Sherloc (09022015). Collection method: clinical testing. Allele origin: germline.
Comment: This sequence change replaces isoleucine, which is neutral and non-polar, with leucine, which is neutral and non-polar, at codon 104 of the GPC3 protein (p.Ile104Leu). This variant is not present in population databases (gnomAD no frequency). This variant has not been reported in the literature in individuals affected with GPC3-related conditions. Algorithms developed to predict the effect of missense changes on protein structure and function (SIFT, PolyPhen-2, Align-GVGD) all suggest that this variant is likely to be tolerated. In summary, the available evidence is currently insufficient to determine the role of this variant in disease. Therefore, it has been classified as a Variant of Uncertain Significance.

NM_004484.4(GPC3):c.310A>C (p.Ile104Leu)

Gene: GPC3 (glypican 3; minus strand). Cytogenetic location: Xq26.2.
Variant type: single nucleotide variant.
Coding change: c.310A>C on transcript NM_004484.4 (MANE Select); coding-DNA position 310, A replaced by C.
Protein change: p.Ile104Leu; replaces isoleucine 104 with leucine.
Molecular consequence: missense variant. On other transcripts: intron variant (2).
Genome position (GRCh38, 1-based): chrX:133,953,077, T>G on the plus strand (A>C on the coding strand, the complement: GPC3 is on the minus strand). VCF-style: chrX-133953077-T-G. GRCh37 (hg19) VCF-style: chrX-133087104-T-G.
Other names: c.310A>C, p.Ile104Leu (NM_001164617.2); c.175+32198A>C (NM_001164619.2); c.289+21A>C (NM_001164618.2); short protein forms I104L.
Identifiers: ClinVar variation 2077688 (VCV002077688.4), dbSNP rs2076400118, ClinGen allele CA414707318.